The following is an entry in ClinVar:

NM_002017.5(FLI1):c.1326C>A (p.Thr442=)

Gene: FLI1 (Fli-1 proto-oncogene, ETS transcription factor; plus strand). Cytogenetic location: 11q24.3.
Variant type: single nucleotide variant.
Coding change: c.1326C>A on transcript NM_002017.5 (MANE Select); coding-DNA position 1326, C replaced by A.
Protein change: p.Thr442=; no amino-acid change (threonine 442 retained).
Molecular consequence: synonymous variant.
Genome position (GRCh38, 1-based): chr11:128,810,955, C>A. VCF-style: chr11-128810955-C-A. GRCh37 (hg19) VCF-style: chr11-128680850-C-A.
Other names: c.1227C>A, p.Thr409= (NM_001167681.3); c.1128C>A, p.Thr376= (NM_001271010.2); c.747C>A, p.Thr249= (NM_001271012.2).
Identifiers: ClinVar variation 2872096 (VCV002872096.21), dbSNP rs763694366, ClinGen allele CA6357347.

ClinVar aggregate classification (germline): Likely benign. Review status: criteria provided, multiple submitters, no conflicts (2 of 4 stars). 2 submissions from 2 submitters: Likely benign (2). Last evaluated 2024-11-28.

Allele frequency attached by ClinVar (database versions not stated): ExAC 0.00002; gnomAD 0.00005; gnomAD exomes 0.00007.
gnomAD v4.1: 109 of 1,613,916 alleles (0.0068%); highest among the groups gnomAD compares: Non-Finnish European, 0.0091%; no homozygotes.

Submissions (2):

Labcorp Genetics (formerly Invitae), Labcorp
Classification: Likely benign. Last evaluated: 2024-11-28. Review status: criteria provided, single submitter. Criteria: Invitae Variant Classification Sherloc (09022015). Collection method: clinical testing. Allele origin: germline.

CeGaT Center for Human Genetics Tuebingen
Classification: Likely benign. Last evaluated: 2024-06-01. Review status: criteria provided, single submitter. Criteria: CeGaT Center For Human Genetics Tuebingen Variant Classification Criteria Version 2. Collection method: clinical testing. Allele origin: germline. Affected: yes. Observed: 1 variant allele.
Comment: FLI1: BP4